The following is an entry in ClinVar:

ClinVar aggregate classification (germline): Likely pathogenic (1 of 4 stars; one submission).

Conditions:
Cardiovascular phenotype. Identifiers: MedGen CN230736.
Hereditary cancer-predisposing syndrome. Also called: Hereditary neoplastic syndrome; Neoplastic Syndromes, Hereditary; Tumor predisposition; Hereditary Cancer Syndrome. Identifiers: Orphanet 140162, MedGen C0027672, MeSH D009386, MONDO:0015356.

Submission:

Ambry Genetics
Classification: Likely pathogenic for Cardiovascular phenotype; Hereditary cancer-predisposing syndrome. Last evaluated: 2025-08-05. Review status: criteria provided, single submitter. Criteria: Ambry Variant Classification Scheme 2023. Collection method: clinical testing. Allele origin: germline.
Comment: The c.1393-523A>T intronic variant results from an A to T substitution 523 nucleotides upstream from coding exon 13 in the NF1 gene. This variant was reported in individual(s) with features consistent with neurofibromatosis type 1 (Koczkowska M et al. Hum Genet, 2023 Jul;142:849-861; Ambry internal data). This nucleotide position is poorly conserved in available vertebrate species. In silico splice site analysis predicts that this alteration will result in the creation or strengthening of a novel splice donor site. RNA studies have demonstrated that this alteration results in abnormal splicing (Koczkowska M et al. Hum Genet, 2023 Jul;142:849-861; Ambry internal data). This variant is considered to be rare based on population cohorts in the Genome Aggregation Database (gnomAD). Based on the majority of available evidence to date, this variant is likely to be pathogenic.

Literature cited by the submitters: PubMed 37186028.

NM_001042492.3(NF1):c.1393-523A>T

Gene: NF1 (neurofibromin 1; plus strand). Cytogenetic location: 17q11.2.
Variant type: single nucleotide variant.
Coding change: c.1393-523A>T on transcript NM_001042492.3 (MANE Select); 523 bases into the intron before coding-DNA position 1393, A replaced by T.
Molecular consequence: intron variant.
Genome position (GRCh38, 1-based): chr17:31,213,928, A>T. VCF-style: chr17-31213928-A-T. GRCh37 (hg19) VCF-style: chr17-29540946-A-T.
Other names: c.1393-523A>T (NM_000267.4, NM_001128147.3).
Identifiers: ClinVar variation 4119126 (VCV004119126.1).
Genomic context (GRCh38, chr17:31,213,928, plus strand): 5'-TTGCCTACATGTTTCATTAATTCTAAGAAGCACTTATTTTTACTCTTCTCTAAAATTGGG[A>T]ATGTATCTTATTTTAAATGGTGTCTTACAATTGACAGCAGTTTTTCATTCCTTTTGGGAC-3'